The following is an entry in ClinVar:

NM_004146.6(NDUFB7):c.126A>G (p.Thr42=)

Gene: NDUFB7 (NADH:ubiquinone oxidoreductase subunit B7; minus strand). Cytogenetic location: 19p13.12.
Variant type: single nucleotide variant.
Coding change: c.126A>G on transcript NM_004146.6 (MANE Select); coding-DNA position 126, A replaced by G.
Protein change: p.Thr42=; no amino-acid change (threonine 42 retained).
Molecular consequence: synonymous variant.
Genome position (GRCh38, 1-based): chr19:14,566,920, T>C on the plus strand (A>G on the coding strand, the complement: NDUFB7 is on the minus strand). VCF-style: chr19-14566920-T-C. GRCh37 (hg19) VCF-style: chr19-14677732-T-C.
Identifiers: ClinVar variation 4871951 (VCV004871951.2).

ClinVar aggregate classification (germline): Likely benign (1 of 4 stars; one submission).

gnomAD v4.1: 9,461 of 1,584,108 alleles (0.6%); highest among the groups gnomAD compares: Non-Finnish European, 0.65%; 33 homozygotes.

Submission:

CeGaT Center for Human Genetics Tuebingen
Classification: Likely benign. Last evaluated: 2026-08-01. Review status: criteria provided, single submitter. Criteria: CeGaT Center For Human Genetics Tuebingen Variant Classification Criteria Version 2. Collection method: clinical testing. Allele origin: germline. Affected: yes. Observed: 2 variant alleles.
Comment: NDUFB7: BP4, BP7, BS2